The following is an entry in ClinVar:

ClinVar aggregate classification (germline): Uncertain significance. Review status: criteria provided, multiple submitters, no conflicts (2 of 4 stars). 2 submissions from 2 submitters: Uncertain significance (2). Last evaluated 2021-08-20.

Conditions:
Hereditary cancer-predisposing syndrome. Also called: Hereditary neoplastic syndrome; Neoplastic Syndromes, Hereditary; Tumor predisposition; Hereditary Cancer Syndrome. Identifiers: Orphanet 140162, MedGen C0027672, MeSH D009386, MONDO:0015356.
Ataxia-telangiectasia syndrome (AT). Also called: Ataxia telangiectasia (A-T); LOUIS-BAR SYNDROME; Cerebello-oculocutaneous telangiectasia; Immunodeficiency with ataxia telangiectasia; Ataxia-telangiectasia, complementation group D; AT, COMPLEMENTATION GROUP C. Identifiers: Orphanet 100, MedGen C0004135, MONDO:0008840, OMIM 208900.

Submissions (2):

Labcorp Genetics (formerly Invitae), Labcorp
Classification: Uncertain significance for Ataxia-telangiectasia syndrome. Last evaluated: 2021-08-20. Review status: criteria provided, single submitter. Criteria: Invitae Variant Classification Sherloc (09022015). Collection method: clinical testing. Allele origin: germline.
Comment: This sequence change replaces asparagine with threonine at codon 122 of the ATM protein (p.Asn122Thr). The asparagine residue is moderately conserved and there is a small physicochemical difference between asparagine and threonine. This variant is not present in population databases (ExAC no frequency). This variant has not been reported in the literature in individuals affected with ATM-related conditions. Algorithms developed to predict the effect of missense changes on protein structure and function (SIFT, PolyPhen-2, Align-GVGD) all suggest that this variant is likely to be tolerated. In summary, the available evidence is currently insufficient to determine the role of this variant in disease. Therefore, it has been classified as a Variant of Uncertain Significance.

Ambry Genetics
Classification: Uncertain significance for Hereditary cancer-predisposing syndrome. Last evaluated: 2018-12-26. Review status: criteria provided, single submitter. Criteria: Ambry Variant Classification Scheme 2023. Collection method: clinical testing. Allele origin: germline.
Comment: The p.N122T variant (also known as c.365A>C), located in coding exon 4 of the ATM gene, results from an A to C substitution at nucleotide position 365. The asparagine at codon 122 is replaced by threonine, an amino acid with similar properties. This amino acid position is not well conserved in available vertebrate species. In addition, this alteration is predicted to be tolerated by in silico analysis. Since supporting evidence is limited at this time, the clinical significance of this alteration remains unclear.

NM_000051.4(ATM):c.365A>C (p.Asn122Thr)

Gene: ATM (ATM serine/threonine kinase; plus strand). Cytogenetic location: 11q22.3.
Variant type: single nucleotide variant.
Coding change: c.365A>C on transcript NM_000051.4 (MANE Select); coding-DNA position 365, A replaced by C.
Protein change: p.Asn122Thr; replaces asparagine 122 with threonine.
Molecular consequence: missense variant.
Genome position (GRCh38, 1-based): chr11:108,235,703, A>C. VCF-style: chr11-108235703-A-C. GRCh37 (hg19) VCF-style: chr11-108106430-A-C.
Other names: c.365A>C, p.Asn122Thr (NM_001351834.2); short protein forms N122T.
Identifiers: ClinVar variation 407553 (VCV000407553.11), dbSNP rs1060501596, ClinGen allele CA16613235.